The following is an entry in ClinVar:

ClinVar aggregate classification (germline): Conflicting classifications of pathogenicity. Review status: criteria provided, conflicting classifications (1 of 4 stars). 7 submissions from 7 submitters: Uncertain significance (2); Likely benign (5). Last evaluated 2025-12-22.

Conditions:
POLG-related disorder. Also called: POLG-related condition; POLG-Related Disorders; POLG-Related Spectrum Disorders. Identifiers: MedGen C4763519.
Progressive sclerosing poliodystrophy (MTDPS4A). Also called: Mitochondrial DNA depletion syndrome 4A (Alpers type); ALPERS PROGRESSIVE INFANTILE POLIODYSTROPHY; Alpers-Huttenlocher Syndrome; Alpers-Huttenlocher Syndrome (AHS); ALPERS DIFFUSE DEGENERATION OF CEREBRAL GRAY MATTER WITH HEPATIC CIRRHOSIS; NEURONAL DEGENERATION OF CHILDHOOD WITH LIVER DISEASE, PROGRESSIVE. Identifiers: Orphanet 726, MedGen C0205710, MONDO:0008758, OMIM 203700.

Allele frequency attached by ClinVar (database versions not stated): gnomAD exomes 0.00001; TOPMed 0.00001; ExAC 0.00002; gnomAD 0.00005 and 0.00006; ESP Exome Variant Server 0.00008.
gnomAD v4.1: 24 of 1,612,550 alleles (0.0015%); highest among the groups gnomAD compares: African/African-American, 0.008%; no homozygotes.

Submissions (7):

Labcorp Genetics (formerly Invitae), Labcorp
Classification: Likely benign for Progressive sclerosing poliodystrophy. Last evaluated: 2025-12-22. Review status: criteria provided, single submitter. Criteria: Invitae Variant Classification Sherloc (09022015). Collection method: clinical testing. Allele origin: germline.

Mayo Clinic Laboratories, Mayo Clinic
Classification: Likely benign. Last evaluated: 2025-05-07. Review status: criteria provided, single submitter. Criteria: ACMG Guidelines, 2015. Collection method: clinical testing. Allele origin: germline. Observed: 1 variant allele.
Comment: BP7, PM2_supporting

PreventionGenetics, part of Exact Sciences
Classification: Likely benign for POLG-related condition. Last evaluated: 2025-03-29. Review status: criteria provided, single submitter. Criteria: ACMG Guidelines, 2015. Collection method: clinical testing. Allele origin: germline.
Comment: This variant is classified as likely benign based on ACMG/AMP sequence variant interpretation guidelines (Richards et al. 2015 PMID: 25741868, with internal and published modifications).

Blueprint Genetics
Classification: Likely benign. Last evaluated: 2022-02-17. Review status: criteria provided, single submitter. Criteria: ACMG Guidelines, 2015. Collection method: clinical testing. Allele origin: germline.

Revvity Omics, Revvity
Classification: Uncertain significance. Last evaluated: 2019-11-29. Review status: criteria provided, single submitter. Criteria: ACMG Guidelines, 2015. Collection method: clinical testing. Allele origin: germline.

Wong Mito Lab, Molecular and Human Genetics, Baylor College of Medicine
Classification: Likely benign for Progressive sclerosing poliodystrophy. Last evaluated: 2018-10-01. Review status: criteria provided, single submitter. Criteria: ACMG Guidelines, 2015. Collection method: clinical testing. Allele origin: germline.
Comment: The NM_002693.2:c.1761G>A (NP_002684.1:p.Pro587=) [GRCH38: NC_000015.10:g.89325638C>T] variant in POLG gene is interpretated to be a Likely Benign based on ACMG guidelines (PMID: 25741868). This variant meets the following evidence codes reported in the ACMG-guideline. BP4:Computational evidence/predictors indicate no impact on the POLG structure, function, or protein-protein interaction. BP7:The variant is silent with non predicted splice impact. Based on the evidence criteria codes applied, the variant is suggested to be Likely Benign.

Genetic Services Laboratory, University of Chicago
Classification: Uncertain significance. Last evaluated: 2016-09-20. Review status: criteria provided, single submitter. Criteria: ACMG Guidelines, 2015. Collection method: clinical testing. Allele origin: germline. Affected: no.

NM_002693.3(POLG):c.1761G>A (p.Pro587=)

Gene: POLG (DNA polymerase gamma, catalytic subunit; minus strand). Cytogenetic location: 15q26.1.
Variant type: single nucleotide variant.
Coding change: c.1761G>A on transcript NM_002693.3 (MANE Select); coding-DNA position 1761, G replaced by A.
Protein change: p.Pro587=; no amino-acid change (proline 587 retained).
Molecular consequence: synonymous variant.
Genome position (GRCh38, 1-based): chr15:89,325,638, C>T on the plus strand (G>A on the coding strand, the complement: POLG is on the minus strand). VCF-style: chr15-89325638-C-T. GRCh37 (hg19) VCF-style: chr15-89868869-C-T.
Other names: p.Pro587=; c.1761G>A, p.Pro587= (NM_001126131.2).
Identifiers: ClinVar variation 436360 (VCV000436360.17), dbSNP rs374805003, ClinGen allele CA7724692.